The following is an entry in ClinVar:

NM_022124.6(CDH23):c.5621T>G (p.Leu1874Arg)

Gene: CDH23 (cadherin related 23; plus strand). Cytogenetic location: 10q22.1.
Variant type: single nucleotide variant.
Coding change: c.5621T>G on transcript NM_022124.6 (MANE Select); coding-DNA position 5621, T replaced by G.
Protein change: p.Leu1874Arg; replaces leucine 1874 with arginine.
Molecular consequence: missense variant.
Genome position (GRCh38, 1-based): chr10:71,785,009, T>G. VCF-style: chr10-71785009-T-G. GRCh37 (hg19) VCF-style: chr10-73544766-T-G.
Other names: short protein forms L1874R.
Identifiers: ClinVar variation 1404452 (VCV001404452.5), dbSNP rs764112842, ClinGen allele CA5545818.

ClinVar aggregate classification (germline): Uncertain significance (1 of 4 stars; one submission).

Allele frequency attached by ClinVar (database versions not stated): gnomAD 0.00001; ExAC 0.00002; gnomAD exomes 0.00002 and 0.00005; TOPMed 0.00002.
gnomAD v4.1: 32 of 1,613,970 alleles (0.002%); highest among the groups gnomAD compares: East Asian, 0.062%; no homozygotes.

Submission:

Labcorp Genetics (formerly Invitae), Labcorp
Classification: Uncertain significance. Last evaluated: 2024-12-16. Review status: criteria provided, single submitter. Criteria: Invitae Variant Classification Sherloc (09022015). Collection method: clinical testing. Allele origin: germline.
Comment: This sequence change replaces leucine, which is neutral and non-polar, with arginine, which is basic and polar, at codon 1874 of the CDH23 protein (p.Leu1874Arg). The frequency data for this variant in the population databases is considered unreliable, as metrics indicate poor data quality at this position in the gnomAD database. This variant has not been reported in the literature in individuals affected with CDH23-related conditions. ClinVar contains an entry for this variant (Variation ID: 1404452). Invitae Evidence Modeling of protein sequence and biophysical properties (such as structural, functional, and spatial information, amino acid conservation, physicochemical variation, residue mobility, and thermodynamic stability) has been performed for this missense variant. However, the output from this modeling did not meet the statistical confidence thresholds required to predict the impact of this variant on CDH23 protein function. In summary, the available evidence is currently insufficient to determine the role of this variant in disease. Therefore, it has been classified as a Variant of Uncertain Significance.